The following is an entry in ClinVar:

ClinVar aggregate classification (germline): Uncertain significance. Review status: criteria provided, multiple submitters, no conflicts (2 of 4 stars). 5 submissions from 5 submitters: Uncertain significance (5). Last evaluated 2025-07-24.

Conditions:
Catecholaminergic polymorphic ventricular tachycardia (CVPT). Also called: Catecholamine-induced polymorphic ventricular tachycardia. Identifiers: Orphanet 3286, MedGen C5574922, MONDO:0017990.
Catecholaminergic polymorphic ventricular tachycardia 1. Also called: VENTRICULAR TACHYCARDIA, CATECHOLAMINERGIC POLYMORPHIC, 1, WITH OR WITHOUT ATRIAL DYSFUNCTION AND/OR DILATED CARDIOMYOPATHY; RYR2-Related Catecholaminergic Polymorphic Ventricular Tachycardia; VENTRICULAR TACHYCARDIA, STRESS-INDUCED POLYMORPHIC 1. Identifiers: Orphanet 3286, MedGen C1631597, MONDO:0011484, OMIM 604772.
Cardiomyopathy (CMYO). Also called: Cardiomyopathies. Identifiers: Orphanet 167848, MedGen C0878544, MONDO:0004994, HP:0001638. Inheritance: Various modes of inheritance.

Allele frequency attached by ClinVar (database versions not stated): gnomAD exomes 0.00001.
gnomAD v4.1: 4 of 1,612,516 alleles (0.00025%); highest among the groups gnomAD compares: Non-Finnish European, 0.00034%; no homozygotes.

Submissions (5):

Women's Health and Genetics/Laboratory Corporation of America, LabCorp
Classification: Uncertain significance. Last evaluated: 2025-07-24. Review status: criteria provided, single submitter. Criteria: LabCorp Variant Classification Summary - May 2015. Collection method: clinical testing. Allele origin: germline.

Color Diagnostics, LLC DBA Color Health
Classification: Uncertain significance for Cardiomyopathy. Last evaluated: 2024-03-06. Review status: criteria provided, single submitter. Criteria: ACMG Guidelines, 2015. Collection method: clinical testing. Allele origin: germline.
Comment: This missense variant replaces glutamic acid with glycine at codon 2375 of the RYR2 protein. Computational prediction is inconclusive regarding the impact of this variant on protein structure and function (internally defined REVEL score threshold 0.5 < inconclusive < 0.7, PMID: 27666373). To our knowledge, functional studies have not been reported for this variant. This variant has not been reported in individuals affected with cardiovascular disorders in the literature. This variant has not been identified in the general population by the Genome Aggregation Database (gnomAD). The available evidence is insufficient to determine the role of this variant in disease conclusively. Therefore, this variant is classified as a Variant of Uncertain Significance.

Labcorp Genetics (formerly Invitae), Labcorp
Classification: Uncertain significance for Catecholaminergic polymorphic ventricular tachycardia 1. Last evaluated: 2023-09-28. Review status: criteria provided, single submitter. Criteria: Invitae Variant Classification Sherloc (09022015). Collection method: clinical testing. Allele origin: germline.
Comment: In summary, the available evidence is currently insufficient to determine the role of this variant in disease. Therefore, it has been classified as a Variant of Uncertain Significance. Advanced modeling of protein sequence and biophysical properties (such as structural, functional, and spatial information, amino acid conservation, physicochemical variation, residue mobility, and thermodynamic stability) performed at Invitae indicates that this missense variant is not expected to disrupt RYR2 protein function. ClinVar contains an entry for this variant (Variation ID: 463629). This variant has not been reported in the literature in individuals affected with RYR2-related conditions. This variant is not present in population databases (gnomAD no frequency). This sequence change replaces glutamic acid, which is acidic and polar, with glycine, which is neutral and non-polar, at codon 2375 of the RYR2 protein (p.Glu2375Gly).

All of Us Research Program, National Institutes of Health
Classification: Uncertain significance for Catecholaminergic polymorphic ventricular tachycardia. Last evaluated: 2023-08-15. Review status: criteria provided, single submitter. Criteria: ACMG Guidelines, 2015. Collection method: clinical testing. Allele origin: germline. Inheritance: Autosomal dominant inheritance. Observed: 2 variant alleles, 2 heterozygotes.
Comment: This missense variant replaces glutamic acid with glycine at codon 2375 of the RYR2 protein. Computational prediction is inconclusive regarding the impact of this variant on protein structure and function (internally defined REVEL score threshold 0.5 < inconclusive < 0.7, PMID: 27666373). To our knowledge, functional studies have not been reported for this variant. This variant has not been reported in individuals affected with cardiovascular disorders in the literature. This variant has not been identified in the general population by the Genome Aggregation Database (gnomAD). The available evidence is insufficient to determine the role of this variant in disease conclusively. Therefore, this variant is classified as a Variant of Uncertain Significance.

This study involves interpretation of variants in research participants for the purpose of population health screening. Participant phenotype was not available at the time of variant classification. Additional details can be found in publication PMID: 35346344, PMCID: PMC8962531

Blueprint Genetics
Classification: Uncertain significance. Last evaluated: 2021-10-27. Review status: criteria provided, single submitter. Criteria: ACMG Guidelines, 2015. Collection method: clinical testing. Allele origin: germline.

NM_001035.3(RYR2):c.7124A>G (p.Glu2375Gly)

Gene: RYR2 (ryanodine receptor 2; plus strand). Cytogenetic location: 1q43.
Variant type: single nucleotide variant.
Coding change: c.7124A>G on transcript NM_001035.3 (MANE Select); coding-DNA position 7124, A replaced by G.
Protein change: p.Glu2375Gly; replaces glutamic acid 2375 with glycine.
Molecular consequence: missense variant.
Genome position (GRCh38, 1-based): chr1:237,640,905, A>G. VCF-style: chr1-237640905-A-G. GRCh37 (hg19) VCF-style: chr1-237804205-A-G.
Other names: c.7124A>G, p.Glu2375Gly (LRG_402t1); short protein forms E2375G.
Identifiers: ClinVar variation 463629 (VCV000463629.15), dbSNP rs1553264645, ClinGen allele CA345396525.